The following is an entry in ClinVar:

ClinVar aggregate classification (germline): Pathogenic (1 of 4 stars; one submission).

Conditions:
Microcephaly-intellectual disability-sensorineural hearing loss-epilepsy-abnormal muscle tone syndrome (NEDHSB). Also called: NEURODEVELOPMENTAL DISORDER WITH HEARING LOSS, SEIZURES, AND BRAIN ABNORMALITIES. Identifiers: Orphanet 457351, MedGen C4225276, MONDO:0014698, OMIM 616577.

Submission:

Labcorp Genetics (formerly Invitae), Labcorp
Classification: Pathogenic for Microcephaly-intellectual disability-sensorineural hearing loss-epilepsy-abnormal muscle tone syndrome. Last evaluated: 2023-07-01. Review status: criteria provided, single submitter. Criteria: Invitae Variant Classification Sherloc (09022015). Collection method: clinical testing. Allele origin: unknown.
Comment: This variant has not been reported in the literature in individuals affected with SPATA5-related conditions. This variant is a gross deletion of the genomic region encompassing exon(s) 1-13 of the SPATA5 gene, which includes the initiator codon. This deletion extends beyond the assayed region for this gene and therefore may encompass additional genes. It is expected to result in an absent or disrupted protein product. Loss-of-function variants in SPATA5 are known to be pathogenic (PMID: 26299366). For these reasons, this variant has been classified as Pathogenic.

Literature cited by the submitters: PubMed 26299366.

NC_000004.11:g.(?_123818759)_(123978463_?)del

Genes: AFG2A (AFG2 AAA ATPase homolog A; plus strand), FGF2 (fibroblast growth factor 2; plus strand), NUDT6 (nudix hydrolase 6; minus strand). Cytogenetic location: 4q28.1.
Variant type: Deletion.
Identifiers: ClinVar variation 3246690 (VCV003246690.1).